The following is an entry in ClinVar:

NM_016239.4(MYO15A):c.6186C>A (p.Ala2062=)

Gene: MYO15A (myosin XVA; plus strand). Cytogenetic location: 17p11.2.
Variant type: single nucleotide variant.
Coding change: c.6186C>A on transcript NM_016239.4 (MANE Select); coding-DNA position 6186, C replaced by A.
Protein change: p.Ala2062=; no amino-acid change (alanine 2062 retained).
Molecular consequence: synonymous variant.
Genome position (GRCh38, 1-based): chr17:18,144,505, C>A. VCF-style: chr17-18144505-C-A. GRCh37 (hg19) VCF-style: chr17-18047819-C-A.
Identifiers: ClinVar variation 164539 (VCV000164539.58), dbSNP rs141475629, ClinGen allele CA177237.

ClinVar aggregate classification (germline): Conflicting classifications of pathogenicity. Review status: criteria provided, conflicting classifications (1 of 4 stars). 8 submissions from 8 submitters: Uncertain significance (2); Benign (2); Likely benign (3). 1 of the submissions does not count toward it. Last evaluated 2026-01-27.

Conditions:
MYO15A-related disorder. Also called: MYO15A-related condition.
Autosomal recessive nonsyndromic hearing loss 3. Also called: NEUROSENSORY NONSYNDROMIC RECESSIVE DEAFNESS 3. Identifiers: Orphanet 90636, MedGen C1838263, MONDO:0010860, OMIM 600316.

Allele frequency attached by ClinVar (database versions not stated): ExAC 0.00122; gnomAD 0.00123 and 0.00130; gnomAD exomes 0.00124 and 0.00147; ESP Exome Variant Server 0.00126; 1000 Genomes Project 0.00160; TOPMed 0.00172; 1000 Genomes Project 30x 0.00187.
gnomAD v4.1: 2,099 of 1,613,414 alleles (0.13%); highest among the groups gnomAD compares: Middle Eastern, 1%; 4 homozygotes.

Submissions (8):

Labcorp Genetics (formerly Invitae), Labcorp
Classification: Likely benign. Last evaluated: 2026-01-27. Review status: criteria provided, single submitter. Criteria: Invitae Variant Classification Sherloc (09022015). Collection method: clinical testing. Allele origin: germline.

Blueprint Genetics
Classification: Likely benign. Last evaluated: 2024-11-28. Review status: criteria provided, single submitter. Criteria: ACMG Guidelines, 2015. Collection method: clinical testing. Allele origin: germline.

CeGaT Center for Human Genetics Tuebingen
Classification: Likely benign. Last evaluated: 2024-02-01. Review status: criteria provided, single submitter. Criteria: CeGaT Center For Human Genetics Tuebingen Variant Classification Criteria Version 2. Collection method: clinical testing. Allele origin: germline. Affected: yes. Observed: 6 variant alleles.
Comment: MYO15A: BP4, BP7

GeneDx
Classification: Benign. Last evaluated: 2020-02-25. Review status: criteria provided, single submitter. Criteria: GeneDx Variant Classification Process June 2021. Collection method: clinical testing. Allele origin: germline. Affected: yes.

Illumina Laboratory Services, Illumina
Classification: Uncertain significance for Autosomal recessive nonsyndromic hearing loss 3. Last evaluated: 2018-01-13. Review status: criteria provided, single submitter. Criteria: ICSL Variant Classification Criteria 13 December 2019. Collection method: clinical testing. Allele origin: germline.

Laboratory for Molecular Medicine, Mass General Brigham Personalized Medicine
Classification: Benign. Last evaluated: 2017-06-13. Review status: criteria provided, single submitter. Criteria: LMM Criteria. Collection method: clinical testing. Allele origin: germline. Observed: 10 variant alleles.
Comment: p.Ala2062Ala in exon 29 of MYO15A: This variant is not expected to have clinical significance because it does not alter an amino acid residue, is not located wi thin the splice consensus sequence, has been identified in 0.6%(60/10152) of Ash kenazi Jewish chromosomes, 0.1% (182/126654) of European chromosomes and in 0.3% (97/34420) of Latino chromosomes by the Genome Aggregation Database (gnomAD; dbSNP rs141475629).

Eurofins Ntd Llc (ga)
Classification: Uncertain significance. Last evaluated: 2016-06-22. Review status: criteria provided, single submitter. Criteria: EGL Classification Definitions 2015. Collection method: clinical testing. Allele origin: germline. Observed: 1 variant allele, 1 heterozygote.

PreventionGenetics, part of Exact Sciences
Classification: Likely benign for MYO15A-related condition. Last evaluated: 2020-02-19. Review status: no assertion criteria provided. Collection method: clinical testing. Allele origin: germline. Not counted in ClinVar's aggregate classification.
Comment: This variant is classified as likely benign based on ACMG/AMP sequence variant interpretation guidelines (Richards et al. 2015 PMID: 25741868, with internal and published modifications).